The following is an entry in ClinVar:

NM_016180.5(SLC45A2):c.1418G>A (p.Gly473Asp)

Gene: SLC45A2 (solute carrier family 45 member 2; minus strand). Cytogenetic location: 5p13.2.
Variant type: single nucleotide variant.
Coding change: c.1418G>A on transcript NM_016180.5 (MANE Select); coding-DNA position 1418, G replaced by A.
Protein change: p.Gly473Asp; replaces glycine 473 with aspartic acid.
Molecular consequence: missense variant.
Genome position (GRCh38, 1-based): chr5:33,944,823, C>T on the plus strand (G>A on the coding strand, the complement: SLC45A2 is on the minus strand). VCF-style: chr5-33944823-C-T. GRCh37 (hg19) VCF-style: chr5-33944928-C-T.
Other names: short protein forms G473D.
Identifiers: ClinVar variation 2203617 (VCV002203617.4), dbSNP rs2478762787, ClinGen allele CA359387409.

ClinVar aggregate classification (germline): Uncertain significance (1 of 4 stars; one submission).

Allele frequency attached by ClinVar (database versions not stated): gnomAD exomes below 0.00001.
gnomAD v4.1: 1 of 1,614,114 alleles (0.000062%); highest among the groups gnomAD compares: Non-Finnish European, 0.000085%; no homozygotes.

Submission:

Labcorp Genetics (formerly Invitae), Labcorp
Classification: Uncertain significance. Last evaluated: 2022-03-26. Review status: criteria provided, single submitter. Criteria: Invitae Variant Classification Sherloc (09022015). Collection method: clinical testing. Allele origin: germline.
Comment: In summary, the available evidence is currently insufficient to determine the role of this variant in disease. Therefore, it has been classified as a Variant of Uncertain Significance. Algorithms developed to predict the effect of missense changes on protein structure and function are either unavailable or do not agree on the potential impact of this missense change (SIFT: "Deleterious"; PolyPhen-2: "Probably Damaging"; Align-GVGD: "Class C0"). This missense change has been observed in individual(s) with oculocutaneous albinism (PMID: 16965274). In at least one individual the data is consistent with being in trans (on the opposite chromosome) from a pathogenic variant. This variant is not present in population databases (gnomAD no frequency). This sequence change replaces glycine, which is neutral and non-polar, with aspartic acid, which is acidic and polar, at codon 473 of the SLC45A2 protein (p.Gly473Asp).

Literature cited by the submitters: PubMed 16965274.